The following is an entry in ClinVar:

NM_001166108.2(PALLD):c.1965-12574C>G

Gene: PALLD (palladin, cytoskeletal associated protein; plus strand). Cytogenetic location: 4q32.3.
Variant type: single nucleotide variant.
Coding change: c.1965-12574C>G on transcript NM_001166108.2 (MANE Select); 12574 bases into the intron before coding-DNA position 1965, C replaced by G.
Molecular consequence: intron variant. On other transcripts: missense variant (1).
Genome position (GRCh38, 1-based): chr4:168,878,348, C>G. VCF-style: chr4-168878348-C-G. GRCh37 (hg19) VCF-style: chr4-169799499-C-G.
Other names: c.457C>G, p.Pro153Ala (NM_001166110.2); c.1965-12574C>G (NM_016081.4); c.819-12574C>G (NM_001166109.2); c.-157-12574C>G (NM_001367570.1, NM_001367568.1, NM_001367567.1 and 1 more transcripts); short protein forms P153A.
Identifiers: ClinVar variation 3885251 (VCV003885251.1).
Genomic context (GRCh38, chr4:168,878,348, plus strand): 5'-TTCGGCCACAGCCAGACGCCCGCGGCCTTCCTCAGCGCTCTGCTGCCCTCGCAGCCGCCG[C>G]CGGCGGCCGTCAACGCCCTGGGGCTGCCCAAGGGTGTCACCCCCGCGTGAGTAACCGCCG-3'

ClinVar aggregate classification (germline): Uncertain significance (1 of 4 stars; one submission).

gnomAD v4.1: 10 of 1,519,736 alleles (0.00066%); highest among the groups gnomAD compares: Non-Finnish European, 0.00088%; no homozygotes.

Submission:

Ambry Genetics
Classification: Uncertain significance. Last evaluated: 2025-03-10. Review status: criteria provided, single submitter. Criteria: Ambry Variant Classification Scheme 2023. Collection method: clinical testing. Allele origin: germline.
Comment: The p.P153A variant (also known as c.457C>G), located in coding exon 1 of the PALLD gene, results from a C to G substitution at nucleotide position 457. The proline at codon 153 is replaced by alanine, an amino acid with highly similar properties. This amino acid position is conserved. In addition, this alteration is predicted to be tolerated by in silico analysis. Based on the available evidence, the clinical significance of this variant remains unclear.